The following is an entry in ClinVar:

NM_001987.5(ETV6):c.731A>C (p.His244Pro)

Gene: ETV6 (ETS variant transcription factor 6; plus strand). Cytogenetic location: 12p13.2.
Variant type: single nucleotide variant.
Coding change: c.731A>C on transcript NM_001987.5 (MANE Select); coding-DNA position 731, A replaced by C.
Protein change: p.His244Pro; replaces histidine 244 with proline.
Molecular consequence: missense variant.
Genome position (GRCh38, 1-based): chr12:11,869,691, A>C. VCF-style: chr12-11869691-A-C. GRCh37 (hg19) VCF-style: chr12-12022625-A-C.
Other names: c.728A>C, p.His243Pro (NM_001413913.1); c.704A>C, p.His235Pro (NM_001413914.1); c.467A>C, p.His156Pro (NM_001413915.1); c.731A>C, p.His244Pro (NM_001413916.1, NM_001413917.1); short protein forms H235P, H243P, H156P, H244P.
Identifiers: ClinVar variation 3846479 (VCV003846479.1).

ClinVar aggregate classification (germline): Uncertain significance (1 of 4 stars; one submission).

Conditions:
Inborn genetic diseases. Identifiers: MedGen C0950123, MeSH D030342.

Submission:

Ambry Genetics
Classification: Uncertain significance for Inborn genetic diseases. Last evaluated: 2024-12-16. Review status: criteria provided, single submitter. Criteria: Ambry Variant Classification Scheme 2023. Collection method: clinical testing. Allele origin: germline.
Comment: The p.H244P variant (also known as c.731A>C), located in coding exon 5 of the ETV6 gene, results from an A to C substitution at nucleotide position 731. The histidine at codon 244 is replaced by proline, an amino acid with similar properties. This amino acid position is conserved. In addition, this alteration is predicted to be tolerated by in silico analysis. Based on the available evidence, the clinical significance of this variant remains unclear.